The following is an entry in ClinVar:

ClinVar aggregate classification (germline): Uncertain significance. Review status: criteria provided, multiple submitters, no conflicts (2 of 4 stars). 3 submissions from 3 submitters: Uncertain significance (3). Last evaluated 2025-07-18.

Conditions:
FG syndrome (FGS). Identifiers: MedGen C0220769, MONDO:0002010.
Familial thoracic aortic aneurysm and aortic dissection (TAAD). Also called: Thoracic aortic aneurysms and dissections. Identifiers: Orphanet 91387, MedGen C4707243, MONDO:0019625.

Allele frequency attached by ClinVar (database versions not stated): gnomAD exomes below 0.00001 and 0.00001; gnomAD 0.00001 and 0.00002; TOPMed 0.00002.
gnomAD v4.1: 5 of 1,153,811 alleles (0.00043%); highest among the groups gnomAD compares: Non-Finnish European, 0.00046%; no homozygotes.

Submissions (3):

Labcorp Genetics (formerly Invitae), Labcorp
Classification: Uncertain significance for FG syndrome. Last evaluated: 2025-07-18. Review status: criteria provided, single submitter. Criteria: Invitae Variant Classification Sherloc (09022015). Collection method: clinical testing. Allele origin: germline.
Comment: This sequence change replaces glycine, which is neutral and non-polar, with serine, which is neutral and polar, at codon 1568 of the MED12 protein (p.Gly1568Ser). The frequency data for this variant in the population databases is considered unreliable, as metrics indicate poor data quality at this position in the gnomAD database. This variant has not been reported in the literature in individuals affected with MED12-related conditions. ClinVar contains an entry for this variant (Variation ID: 1328593). Invitae Evidence Modeling of protein sequence and biophysical properties (such as structural, functional, and spatial information, amino acid conservation, physicochemical variation, residue mobility, and thermodynamic stability) has been performed for this missense variant. However, the output from this modeling did not meet the statistical confidence thresholds required to predict the impact of this variant on MED12 protein function. In summary, the available evidence is currently insufficient to determine the role of this variant in disease. Therefore, it has been classified as a Variant of Uncertain Significance.

Ambry Genetics
Classification: Uncertain significance for Familial thoracic aortic aneurysm and aortic dissection. Last evaluated: 2025-06-23. Review status: criteria provided, single submitter. Criteria: Ambry Variant Classification Scheme 2023. Collection method: clinical testing. Allele origin: germline.
Comment: The p.G1568S variant (also known as c.4702G>A), located in coding exon 34 of the MED12 gene, results from a G to A substitution at nucleotide position 4702. The glycine at codon 1568 is replaced by serine, an amino acid with similar properties. This amino acid position is conserved. In addition, the in silico prediction for this alteration is inconclusive. Based on the available evidence, the clinical significance of this variant remains unclear.

GeneDx
Classification: Uncertain significance. Last evaluated: 2024-04-17. Review status: criteria provided, single submitter. Criteria: GeneDx Variant Classification Process June 2021. Collection method: clinical testing. Allele origin: germline. Affected: yes.
Comment: Has not been previously published as pathogenic or benign to our knowledge; Not observed at significant frequency in large population cohorts (gnomAD); In silico analysis supports that this missense variant has a deleterious effect on protein structure/function; This variant is associated with the following publications: (PMID: 27535533)

NM_005120.3(MED12):c.4702G>A (p.Gly1568Ser)

Gene: MED12 (mediator complex subunit 12; plus strand). Cytogenetic location: Xq13.1.
Variant type: single nucleotide variant.
Coding change: c.4702G>A on transcript NM_005120.3 (MANE Select); coding-DNA position 4702, G replaced by A.
Protein change: p.Gly1568Ser; replaces glycine 1568 with serine.
Molecular consequence: missense variant.
Genome position (GRCh38, 1-based): chrX:71,134,441, G>A. VCF-style: chrX-71134441-G-A. GRCh37 (hg19) VCF-style: chrX-70354291-G-A.
Other names: short protein forms G1568S.
Identifiers: ClinVar variation 1328593 (VCV001328593.6), dbSNP rs1218546722, ClinGen allele CA413531782.